The following is an entry in ClinVar:

NM_001379081.2(FREM1):c.2963C>G (p.Pro988Arg)

Gene: FREM1 (FRAS1 related extracellular matrix 1; minus strand). Cytogenetic location: 9p22.3.
Variant type: single nucleotide variant.
Coding change: c.2963C>G on transcript NM_001379081.2 (MANE Select); coding-DNA position 2963, C replaced by G.
Protein change: p.Pro988Arg; replaces proline 988 with arginine.
Molecular consequence: missense variant. On other transcripts: non-coding transcript variant (2).
Genome position (GRCh38, 1-based): chr9:14,808,065, G>C on the plus strand (C>G on the coding strand, the complement: FREM1 is on the minus strand). VCF-style: chr9-14808065-G-C. GRCh37 (hg19) VCF-style: chr9-14808063-G-C.
Other names: c.2963C>G (NM_144966.5); c.2963C>G, p.Pro988Arg (NM_144966.7); short protein forms P988R.
Identifiers: ClinVar variation 2427952 (VCV002427952.8), dbSNP rs372379043, ClinGen allele CA4990727.

ClinVar aggregate classification (germline): Uncertain significance. Review status: criteria provided, multiple submitters, no conflicts (2 of 4 stars). 2 submissions from 2 submitters: Uncertain significance (2). Last evaluated 2025-09-11.

Conditions:
Inborn genetic diseases. Identifiers: MedGen C0950123, MeSH D030342.

Allele frequency attached by ClinVar (database versions not stated): gnomAD 0.00007; gnomAD exomes 0.00011; ESP Exome Variant Server 0.00016; ExAC 0.00002; TOPMed 0.00006.

Submissions (2):

Ambry Genetics
Classification: Uncertain significance for Inborn genetic diseases. Last evaluated: 2025-09-11. Review status: criteria provided, single submitter. Criteria: Ambry Variant Classification Scheme 2023. Collection method: clinical testing. Allele origin: germline.

Labcorp Genetics (formerly Invitae), Labcorp
Classification: Uncertain significance. Last evaluated: 2022-07-09. Review status: criteria provided, single submitter. Criteria: Invitae Variant Classification Sherloc (09022015). Collection method: clinical testing. Allele origin: germline.
Comment: In summary, the available evidence is currently insufficient to determine the role of this variant in disease. Therefore, it has been classified as a Variant of Uncertain Significance. Algorithms developed to predict the effect of missense changes on protein structure and function are either unavailable or do not agree on the potential impact of this missense change (SIFT: "Deleterious"; PolyPhen-2: "Benign"; Align-GVGD: "Class C0"). This variant has not been reported in the literature in individuals affected with FREM1-related conditions. This variant is present in population databases (rs372379043, gnomAD 0.008%). This sequence change replaces proline, which is neutral and non-polar, with arginine, which is basic and polar, at codon 988 of the FREM1 protein (p.Pro988Arg).